The following is an entry in ClinVar:

ClinVar aggregate classification (germline): Uncertain significance. Review status: criteria provided, multiple submitters, no conflicts (2 of 4 stars). 2 submissions from 2 submitters: Uncertain significance (2). Last evaluated 2025-10-29.

Allele frequency attached by ClinVar (database versions not stated): gnomAD exomes below 0.00001; TOPMed 0.00003.

Submissions (2):

Ambry Genetics
Classification: Uncertain significance. Last evaluated: 2025-10-29. Review status: criteria provided, single submitter. Criteria: Ambry Variant Classification Scheme 2023. Collection method: clinical testing. Allele origin: germline.

Labcorp Genetics (formerly Invitae), Labcorp
Classification: Uncertain significance. Last evaluated: 2024-08-29. Review status: criteria provided, single submitter. Criteria: Invitae Variant Classification Sherloc (09022015). Collection method: clinical testing. Allele origin: germline.
Comment: This sequence change replaces proline, which is neutral and non-polar, with serine, which is neutral and polar, at codon 512 of the ZNF513 protein (p.Pro512Ser). This variant is not present in population databases (gnomAD no frequency). This variant has not been reported in the literature in individuals affected with ZNF513-related conditions. ClinVar contains an entry for this variant (Variation ID: 962937). An algorithm developed to predict the effect of missense changes on protein structure and function outputs the following: PolyPhen-2: "Possibly Damaging". The serine amino acid residue is found in multiple mammalian species, which suggests that this missense change does not adversely affect protein function. In summary, the available evidence is currently insufficient to determine the role of this variant in disease. Therefore, it has been classified as a Variant of Uncertain Significance.

NM_144631.6(ZNF513):c.1534C>T (p.Pro512Ser)

Gene: ZNF513 (zinc finger protein 513; minus strand). Cytogenetic location: 2p23.3.
Variant type: single nucleotide variant.
Coding change: c.1534C>T on transcript NM_144631.6 (MANE Select); coding-DNA position 1534, C replaced by T.
Protein change: p.Pro512Ser; replaces proline 512 with serine.
Molecular consequence: missense variant.
Genome position (GRCh38, 1-based): chr2:27,377,637, G>A on the plus strand (C>T on the coding strand, the complement: ZNF513 is on the minus strand). VCF-style: chr2-27377637-G-A. GRCh37 (hg19) VCF-style: chr2-27600504-G-A.
Other names: c.1348C>T, p.Pro450Ser (NM_001201459.2); short protein forms P512S, P450S.
Identifiers: ClinVar variation 962937 (VCV000962937.10), dbSNP rs1267972195, ClinGen allele CA346214229.